The following is an entry in ClinVar:

NM_152616.5(TRIM42):c.1914T>C (p.Tyr638=)

Gene: TRIM42 (tripartite motif containing 42; plus strand). Cytogenetic location: 3q23.
Variant type: single nucleotide variant.
Coding change: c.1914T>C on transcript NM_152616.5 (MANE Select); coding-DNA position 1914, T replaced by C.
Protein change: p.Tyr638=; no amino-acid change (tyrosine 638 retained).
Molecular consequence: synonymous variant.
Genome position (GRCh38, 1-based): chr3:140,691,021, T>C. VCF-style: chr3-140691021-T-C. GRCh37 (hg19) VCF-style: chr3-140409863-T-C.
Identifiers: ClinVar variation 2654197 (VCV002654197.24), dbSNP rs142517110, ClinGen allele CA2643625.
Genomic context (GRCh38, chr3:140,691,021, plus strand): 5'-TCCATAGGTTTACTGGACATGTCCAGCAGAAGACGTGGACTCTTTTGAGATGGAATTCTA[T>C]GAAGTCATTACTTCTCCTCCTAACAACGTACAAATGGAGCTCTGTGGACAAATTCGGGAC-3'
Protein context (NP_689829.3, residues 628-648): EDVDSFEMEF[Tyr638=]EVITSPPNNV

ClinVar aggregate classification (germline): Likely benign (1 of 4 stars; one submission).

Allele frequency attached by ClinVar (database versions not stated): 1000 Genomes Project 30x 0.00016; 1000 Genomes Project 0.00020; TOPMed 0.00261; gnomAD 0.00296; ESP Exome Variant Server 0.00423; ExAC 0.00434.
gnomAD v4.1: 7,496 of 1,614,138 alleles (0.46%); highest among the groups gnomAD compares: Non-Finnish European, 0.56%; 27 homozygotes.

Submission:

CeGaT Center for Human Genetics Tuebingen
Classification: Likely benign. Last evaluated: 2022-07-01. Review status: criteria provided, single submitter. Criteria: CeGaT Center For Human Genetics Tuebingen Variant Classification Criteria Version 2. Collection method: clinical testing. Allele origin: germline. Affected: yes. Observed: 1 variant allele.
Comment: TRIM42: BP4, BP7